The following is an entry in ClinVar:

ClinVar aggregate classification (germline): Uncertain significance (1 of 4 stars; one submission).

Conditions:
Hypermethioninemia with deficiency of S-adenosylhomocysteine hydrolase. Identifiers: Orphanet 88618, MedGen C3151058, MONDO:0013404, OMIM 613752.

gnomAD v4.1: 2 of 1,614,132 alleles (0.00012%); highest among the groups gnomAD compares: Non-Finnish European, 0.000085%; no homozygotes.

Submission:

Labcorp Genetics (formerly Invitae), Labcorp
Classification: Uncertain significance for Hypermethioninemia with deficiency of S-adenosylhomocysteine hydrolase. Last evaluated: 2022-07-19. Review status: criteria provided, single submitter. Criteria: Invitae Variant Classification Sherloc (09022015). Collection method: clinical testing. Allele origin: germline.
Comment: This sequence change replaces arginine, which is basic and polar, with tryptophan, which is neutral and slightly polar, at codon 196 of the AHCY protein (p.Arg196Trp). This variant is not present in population databases (gnomAD no frequency). This variant has not been reported in the literature in individuals affected with AHCY-related conditions. ClinVar contains an entry for this variant (Variation ID: 1449831). Algorithms developed to predict the effect of missense changes on protein structure and function are either unavailable or do not agree on the potential impact of this missense change (SIFT: "Not Available"; PolyPhen-2: "Probably Damaging"; Align-GVGD: "Not Available"). In summary, the available evidence is currently insufficient to determine the role of this variant in disease. Therefore, it has been classified as a Variant of Uncertain Significance.

NM_000687.4(AHCY):c.586C>T (p.Arg196Trp)

Gene: AHCY (adenosylhomocysteinase; minus strand). Cytogenetic location: 20q11.22.
Variant type: single nucleotide variant.
Coding change: c.586C>T on transcript NM_000687.4 (MANE Select); coding-DNA position 586, C replaced by T.
Protein change: p.Arg196Trp; replaces arginine 196 with tryptophan.
Molecular consequence: missense variant.
Genome position (GRCh38, 1-based): chr20:34,290,911, G>A on the plus strand (C>T on the coding strand, the complement: AHCY is on the minus strand). VCF-style: chr20-34290911-G-A. GRCh37 (hg19) VCF-style: chr20-32878717-G-A.
Other names: c.502C>T, p.Arg168Trp (NM_001161766.2, NM_001322084.2, NM_001322085.2); c.592C>T, p.Arg198Trp (NM_001322086.2); c.586C>T, p.Arg196Trp (NM_001362750.2); short protein forms R198W, R168W, R196W.
Identifiers: ClinVar variation 1449831 (VCV001449831.9), dbSNP rs2122760447, ClinGen allele CA408658027.
Genomic context (GRCh38, chr20:34,290,911, plus strand): 5'-CTACCTTGCCGGCAATCATCACATCTGTGGCCCGCTTGATGCCATCTATGAGGGACTCCC[G>A]GCAGCCATAGAGGTTGTCAAACTTGCTCTGAAAGGAAAGGGGGTAAGGAGACAATAGGGG-3'
Protein context (NP_000678.1, residues 186-206): KSKFDNLYGC[Arg196Trp]ESLIDGIKRA